The following is an entry in ClinVar:

ClinVar aggregate classification (germline): Uncertain significance (1 of 4 stars; one submission).

Submission:

Labcorp Genetics (formerly Invitae), Labcorp
Classification: Uncertain significance. Last evaluated: 2025-07-05. Review status: criteria provided, single submitter. Criteria: Invitae Variant Classification Sherloc (09022015). Collection method: clinical testing. Allele origin: germline.
Comment: This sequence change replaces alanine, which is neutral and non-polar, with valine, which is neutral and non-polar, at codon 449 of the GTPBP3 protein (p.Ala449Val). This variant is not present in population databases (gnomAD no frequency). This variant has not been reported in the literature in individuals affected with GTPBP3-related conditions. Invitae Evidence Modeling of protein sequence and biophysical properties (such as structural, functional, and spatial information, amino acid conservation, physicochemical variation, residue mobility, and thermodynamic stability) indicates that this missense variant is not expected to disrupt GTPBP3 protein function with a negative predictive value of 80%. In summary, the available evidence is currently insufficient to determine the role of this variant in disease. Therefore, it has been classified as a Variant of Uncertain Significance.

NM_032620.4(GTPBP3):c.1250C>T (p.Ala417Val)

Gene: GTPBP3 (GTP binding protein 3, mitochondrial; plus strand). Cytogenetic location: 19p13.11.
Variant type: single nucleotide variant.
Coding change: c.1250C>T on transcript NM_032620.4 (MANE Select); coding-DNA position 1250, C replaced by T.
Protein change: p.Ala417Val; replaces alanine 417 with valine.
Molecular consequence: missense variant.
Genome position (GRCh38, 1-based): chr19:17,341,319, C>T. VCF-style: chr19-17341319-C-T. GRCh37 (hg19) VCF-style: chr19-17452128-C-T.
Other names: c.1187C>T, p.Ala396Val (NM_001128855.3); c.1316C>T, p.Ala439Val (NM_001195422.1); c.1346C>T, p.Ala449Val (NM_133644.4); short protein forms A396V, A417V, A439V, A449V.
Identifiers: ClinVar variation 4780708 (VCV004780708.1).
Genomic context (GRCh38, chr19:17,341,319, plus strand): 5'-CCTGTCTGACGGGAGAGGGGCTGGACGGCCTCCTGGAGGCGCTGAGGAAGGAGCTAGCTG[C>T]AGTGTGAGCCCCCTCCCACTCCCAGCCTCCCCTGACCCACAGTTTAAGTGTGGGTCCCTC-3'
Protein context (NP_116009.2, residues 407-427): LLEALRKELA[Ala417Val]VCGDPSTDPP